The following is an entry in ClinVar:

ClinVar aggregate classification (germline): Benign/Likely benign. Review status: criteria provided, multiple submitters, no conflicts (2 of 4 stars). 2 submissions from 2 submitters: Benign (1); Likely benign (1). Last evaluated 2025-12-24.

Conditions:
Pityriasis rubra pilaris (PRP). Also called: Pityriasis rubra pilaris--familial type. Identifiers: Orphanet 2897, MedGen C0032027, MONDO:0100017, OMIM 173200, MONDO:0008251.
Psoriasis 2. Identifiers: MedGen C1864497, MONDO:0011269, OMIM 602723.

Allele frequency attached by ClinVar (database versions not stated): gnomAD 0.00001 and 0.00002; gnomAD exomes 0.00001 and 0.00008; TOPMed 0.00002; ExAC 0.00007; 1000 Genomes Project 30x 0.00016; 1000 Genomes Project 0.00020.
gnomAD v4.1: 23 of 1,613,620 alleles (0.0014%); highest among the groups gnomAD compares: East Asian, 0.042%; no homozygotes.

Submissions (2):

Women's Health and Genetics/Laboratory Corporation of America, LabCorp
Classification: Benign. Last evaluated: 2025-12-24. Review status: criteria provided, single submitter. Criteria: LabCorp Variant Classification Summary - May 2015. Collection method: clinical testing. Allele origin: germline.
Comment: Variant summary: CARD14 c.1603C>T (p.Gln535X) results in a premature termination codon, predicted to cause absence of the protein due to nonsense mediated decay, however current evidence is not sufficient to establish loss of function as a mechanism for disease. The variant allele was found at a frequency of 8e-05 in 251356 control chromosomes, predominantly at a frequency of 0.0011 within the East Asian subpopulation in the gnomAD database. The observed variant frequency within East Asian control individuals in the gnomAD database exceeds the estimated maximal expected allele frequency for disease-causing variants in CARD14. To our knowledge, no occurrence of c.1603C>T in individuals affected with CARD14-related conditions and no experimental evidence demonstrating its impact on protein function have been reported. ClinVar contains an entry for this variant (Variation ID: 1634438). Based on the evidence outlined above, the variant was classified as benign.

Labcorp Genetics (formerly Invitae), Labcorp
Classification: Likely benign for Pityriasis rubra pilaris; Psoriasis 2. Last evaluated: 2023-12-11. Review status: criteria provided, single submitter. Criteria: Invitae Variant Classification Sherloc (09022015). Collection method: clinical testing. Allele origin: germline.

NM_001366385.1(CARD14):c.1603C>T (p.Gln535Ter)

Gene: CARD14 (caspase recruitment domain family member 14; plus strand). Cytogenetic location: 17q25.3.
Variant type: single nucleotide variant.
Coding change: c.1603C>T on transcript NM_001366385.1 (MANE Select); coding-DNA position 1603, C replaced by T.
Protein change: p.Gln535Ter; replaces glutamine 535 with a stop codon.
Molecular consequence: nonsense. On other transcripts: non-coding transcript variant (1).
Genome position (GRCh38, 1-based): chr17:80,198,107, C>T. VCF-style: chr17-80198107-C-T. GRCh37 (hg19) VCF-style: chr17-78171906-C-T.
Other names: c.1603C>T, p.Gln535Ter (NM_001257970.1, NM_024110.4); c.892C>T, p.Gln298Ter (NM_052819.3); short protein forms Q298*, Q535*.
Identifiers: ClinVar variation 1634438 (VCV001634438.9), dbSNP rs202166921, ClinGen allele CA8816897.
Genomic context (GRCh38, chr17:80,198,107, plus strand): 5'-CCCCATCAGCAGTGGGGTGACCAAGATCTGTGAGCTCTTGGCTTCCTCCCAGACCTTCCG[C>T]AGCTGGAAAGCAGCCTGCAGCCAGTCTCCCCTGGAAGGCTTGATGTCTCGGAGAGGTAAG-3'